The following is an entry in ClinVar:

NM_000350.3(ABCA4):c.4067A>C (p.Gln1356Pro)

Gene: ABCA4 (ATP binding cassette subfamily A member 4; minus strand). Cytogenetic location: 1p22.1.
Variant type: single nucleotide variant.
Coding change: c.4067A>C on transcript NM_000350.3 (MANE Select); coding-DNA position 4067, A replaced by C.
Protein change: p.Gln1356Pro; replaces glutamine 1356 with proline.
Molecular consequence: missense variant.
Genome position (GRCh38, 1-based): chr1:94,031,839, T>G on the plus strand (A>C on the coding strand, the complement: ABCA4 is on the minus strand). VCF-style: chr1-94031839-T-G. GRCh37 (hg19) VCF-style: chr1-94497395-T-G.
Other names: c.3845A>C, p.Gln1282Pro (NM_001425324.1); short protein forms Q1356P, Q1282P.
Identifiers: ClinVar variation 1415352 (VCV001415352.8), dbSNP rs994570602, ClinGen allele CA26855366.

ClinVar aggregate classification (germline): Uncertain significance. Review status: criteria provided, multiple submitters, no conflicts (2 of 4 stars). 3 submissions from 3 submitters: Uncertain significance (3). Last evaluated 2025-10-23.

Conditions:
Inborn genetic diseases. Identifiers: MedGen C0950123, MeSH D030342.

Allele frequency attached by ClinVar (database versions not stated): gnomAD exomes below 0.00001; TOPMed below 0.00001.
gnomAD v4.1: 24 of 1,614,170 alleles (0.0015%); highest among the groups gnomAD compares: Non-Finnish European, 0.0017%; no homozygotes.

Submissions (3):

Labcorp Genetics (formerly Invitae), Labcorp
Classification: Uncertain significance. Last evaluated: 2025-10-23. Review status: criteria provided, single submitter. Criteria: Invitae Variant Classification Sherloc (09022015). Collection method: clinical testing. Allele origin: germline.
Comment: This sequence change replaces glutamine, which is neutral and polar, with proline, which is neutral and non-polar, at codon 1356 of the ABCA4 protein (p.Gln1356Pro). This variant is present in population databases (no rsID available, gnomAD 0.0009%). This missense change has been observed in individual(s) with inherited retinal disease and/or retinitis pigmentosa (PMID: 38219857; internal data). ClinVar contains an entry for this variant (Variation ID: 1415352). Invitae Evidence Modeling of protein sequence and biophysical properties (such as structural, functional, and spatial information, amino acid conservation, physicochemical variation, residue mobility, and thermodynamic stability) has been performed for this missense variant. However, the output from this modeling did not meet the statistical confidence thresholds required to predict the impact of this variant on ABCA4 protein function. In summary, the available evidence is currently insufficient to determine the role of this variant in disease. Therefore, it has been classified as a Variant of Uncertain Significance.

Blueprint Genetics
Classification: Uncertain significance. Last evaluated: 2021-12-15. Review status: criteria provided, single submitter. Criteria: ACMG Guidelines, 2015. Collection method: clinical testing. Allele origin: germline.

Ambry Genetics
Classification: Uncertain significance for Inborn genetic diseases. Last evaluated: 2021-08-17. Review status: criteria provided, single submitter. Criteria: Ambry Variant Classification Scheme 2023. Collection method: clinical testing. Allele origin: germline.

Literature cited by the submitters: PubMed 38219857 (cited by Labcorp Genetics (formerly Invitae), Labcorp).